The following is an entry in ClinVar:

ClinVar aggregate classification (germline): Uncertain significance (1 of 4 stars; one submission).

Conditions:
Amyotrophic lateral sclerosis type 21. Also called: MYOPATHY, DISTAL, 2; VOCAL CORD AND PHARYNGEAL DYSFUNCTION WITH DISTAL MYOPATHY. Identifiers: Orphanet 600, Orphanet 803, MedGen C3807521, MONDO:0011632, OMIM 606070.

gnomAD v4.1: 1 of 1,614,094 alleles (0.000062%); highest among the groups gnomAD compares: African/African-American, 0.0013%; no homozygotes.

Submission:

Labcorp Genetics (formerly Invitae), Labcorp
Classification: Uncertain significance for Amyotrophic lateral sclerosis type 21. Last evaluated: 2025-03-21. Review status: criteria provided, single submitter. Criteria: Invitae Variant Classification Sherloc (09022015). Collection method: clinical testing. Allele origin: germline.
Comment: This sequence change replaces glutamic acid, which is acidic and polar, with alanine, which is neutral and non-polar, at codon 628 of the MATR3 protein (p.Glu628Ala). This variant is not present in population databases (gnomAD no frequency). This variant has not been reported in the literature in individuals affected with MATR3-related conditions. Invitae Evidence Modeling of protein sequence and biophysical properties (such as structural, functional, and spatial information, amino acid conservation, physicochemical variation, residue mobility, and thermodynamic stability) indicates that this missense variant is not expected to disrupt MATR3 protein function with a negative predictive value of 80%. In summary, the available evidence is currently insufficient to determine the role of this variant in disease. Therefore, it has been classified as a Variant of Uncertain Significance.

NM_018834.6(MATR3):c.1883A>C (p.Glu628Ala)

Genes: MATR3 (matrin 3; plus strand), LOC126807526 (CDK7 strongly-dependent group 2 enhancer GRCh37_chr5:138657767-138658966; plus strand). Cytogenetic location: 5q31.2.
Variant type: single nucleotide variant.
Coding change: c.1883A>C on transcript NM_018834.6 (MANE Select); coding-DNA position 1883, A replaced by C.
Protein change: p.Glu628Ala; replaces glutamic acid 628 with alanine.
Molecular consequence: missense variant.
Genome position (GRCh38, 1-based): chr5:139,322,702, A>C. VCF-style: chr5-139322702-A-C. GRCh37 (hg19) VCF-style: chr5-138658391-A-C.
Other names: c.1883A>C, p.Glu628Ala (NM_001194954.2, NM_001194955.2, NM_001400441.1 and 16 more transcripts); c.1019A>C, p.Glu340Ala (NM_001194956.2); c.869A>C, p.Glu290Ala (NM_001282278.2, NM_001400460.1, NM_001400462.1 and 5 more transcripts); c.1022A>C, p.Glu341Ala (NM_001400459.1); c.983A>C, p.Glu328Ala (NM_001400461.1); short protein forms E328A, E290A, E341A, E628A, E340A.
Identifiers: ClinVar variation 4776919 (VCV004776919.1).